The following is an entry in ClinVar:

NM_000199.5(SGSH):c.658G>T (p.Val220Leu)

Gene: SGSH (N-sulfoglucosamine sulfohydrolase; minus strand). Cytogenetic location: 17q25.3.
Variant type: single nucleotide variant.
Coding change: c.658G>T on transcript NM_000199.5 (MANE Select); coding-DNA position 658, G replaced by T.
Protein change: p.Val220Leu; replaces valine 220 with leucine.
Molecular consequence: missense variant. On other transcripts: non-coding transcript variant (1).
Genome position (GRCh38, 1-based): chr17:80,214,177, C>A on the plus strand (G>T on the coding strand, the complement: SGSH is on the minus strand). VCF-style: chr17-80214177-C-A. GRCh37 (hg19) VCF-style: chr17-78187976-C-A.
Other names: c.658G>T, p.Val220Leu (NM_001352921.3, NM_001352922.2); short protein forms V220L.
Identifiers: ClinVar variation 709488 (VCV000709488.22), dbSNP rs150508741, ClinGen allele CA8817920.

ClinVar aggregate classification (germline): Conflicting classifications of pathogenicity. Review status: criteria provided, conflicting classifications (1 of 4 stars). 7 submissions from 7 submitters: Uncertain significance (3); Likely benign (3). 1 of the submissions does not count toward it. Last evaluated 2026-02-03.

Conditions:
Inborn genetic diseases. Identifiers: MedGen C0950123, MeSH D030342.
SGSH-related disorder. Also called: SGSH-related condition.
Mucopolysaccharidosis, MPS-III-A (MPS3A). Also called: MUCOPOLYSACCHARIDOSIS, TYPE IIIA, ATTENUATED; HEPARAN SULFATE SULFATASE DEFICIENCY; SANFILIPPO SYNDROME A; SULFAMIDASE DEFICIENCY; Mucopolysaccharidosis, type IIIA; MPS III A. Identifiers: Orphanet 581, Orphanet 79269, MedGen C0086647, MONDO:0009655, OMIM 252900.

Allele frequency attached by ClinVar (database versions not stated): TOPMed 0.00084; 1000 Genomes Project 0.00080; ESP Exome Variant Server 0.00085; 1000 Genomes Project 30x 0.00094.
gnomAD v4.1: 283 of 1,608,698 alleles (0.018%); highest among the groups gnomAD compares: African/African-American, 0.33%; 1 homozygote.

Submissions (7):

Labcorp Genetics (formerly Invitae), Labcorp
Classification: Likely benign for Mucopolysaccharidosis, MPS-III-A. Last evaluated: 2026-02-03. Review status: criteria provided, single submitter. Criteria: Invitae Variant Classification Sherloc (09022015). Collection method: clinical testing. Allele origin: germline.

Ambry Genetics
Classification: Likely benign for Inborn genetic diseases. Last evaluated: 2024-08-05. Review status: criteria provided, single submitter. Criteria: Ambry Variant Classification Scheme 2023. Collection method: clinical testing. Allele origin: germline.

Blueprint Genetics
Classification: Uncertain significance. Last evaluated: 2023-12-14. Review status: criteria provided, single submitter. Criteria: ACMG Guidelines, 2015. Collection method: clinical testing. Allele origin: germline.

GeneDx
Classification: Uncertain significance. Last evaluated: 2022-04-25. Review status: criteria provided, single submitter. Criteria: GeneDx Variant Classification Process June 2021. Collection method: clinical testing. Allele origin: germline. Affected: yes.
Comment: In silico analysis supports that this missense variant does not alter protein structure/function; Has not been previously published as pathogenic or benign to our knowledge

Genome-Nilou Lab
Classification: Likely benign for Mucopolysaccharidosis, MPS-III-A. Last evaluated: 2021-11-07. Review status: criteria provided, single submitter. Criteria: ACMG Guidelines, 2015. Collection method: clinical testing. Allele origin: germline. Affected: no.

Illumina Laboratory Services, Illumina
Classification: Uncertain significance for Mucopolysaccharidosis, MPS-III-A. Last evaluated: 2018-01-12. Review status: criteria provided, single submitter. Criteria: ICSL Variant Classification Criteria 13 December 2019. Collection method: clinical testing. Allele origin: germline.

PreventionGenetics, part of Exact Sciences
Classification: Likely benign for SGSH-related condition. Last evaluated: 2023-11-06. Review status: no assertion criteria provided. Collection method: clinical testing. Allele origin: germline. Not counted in ClinVar's aggregate classification.
Comment: This variant is classified as likely benign based on ACMG/AMP sequence variant interpretation guidelines (Richards et al. 2015 PMID: 25741868, with internal and published modifications).